The following is an entry in ClinVar:

ClinVar aggregate classification (germline): Likely benign (1 of 4 stars; one submission).

Conditions:
IFT172-related disorder. Also called: IFT172-related disorders; IFT172-related condition.

Submission:

PreventionGenetics, part of Exact Sciences
Classification: Likely benign for IFT172-related condition. Last evaluated: 2025-04-16. Review status: criteria provided, single submitter. Criteria: ACMG Guidelines, 2015. Collection method: clinical testing. Allele origin: germline.
Comment: This variant is classified as likely benign based on ACMG/AMP sequence variant interpretation guidelines (Richards et al. 2015 PMID: 25741868, with internal and published modifications).

NM_015662.3(IFT172):c.1693-5dup

Gene: IFT172 (intraflagellar transport 172; minus strand). Cytogenetic location: 2p23.3.
Variant type: Duplication.
Coding change: c.1693-5dup on transcript NM_015662.3 (MANE Select); 5 bases into the intron before coding-DNA position 1693, one base duplicated (T; older notation c.1693-5dupT).
Molecular consequence: intron variant.
Genome position (GRCh38, 1-based): chr2:27,465,887, A duplicated on the plus strand (T on the coding strand, the reverse complement: IFT172 is on the minus strand); the first of 4 consecutive A bases (chr2:27,465,887-27,465,890); duplicating any one gives the same sequence. VCF-style (leftmost placement, unchanged base first): chr2-27465886-T-TA. GRCh37 (hg19) VCF-style: chr2-27688753-T-TA.
Other names: c.1627-5dup (NM_001410739.1).
Identifiers: ClinVar variation 5001596 (VCV005001596.1).
Genomic context (GRCh38, chr2:27,465,886, plus strand): 5'-TTCCATCACCATCACCTCGGTCTTTCCCCCGCCCCGCTCCAGACCTATAACATCACCCTG[T>TA]AAAAGTTTATCCCCCAACCCACCCCAATTTCAGGTTAGTTTCCACTGAATCAATTATAGA-3'